The following is an entry in ClinVar:

ClinVar aggregate classification (germline): Benign. Review status: criteria provided, multiple submitters, no conflicts (2 of 4 stars). 5 submissions from 5 submitters: Benign (5). Last evaluated 2026-02-03.

Allele frequency attached by ClinVar (database versions not stated): ESP Exome Variant Server 0.02114; gnomAD 0.03646 and 0.04184; gnomAD exomes 0.04359 and 0.07316; TOPMed 0.04911; ExAC 0.06664; 1000 Genomes Project 30x 0.09260; 1000 Genomes Project 0.09525.
gnomAD v4.1: 70,318 of 1,612,488 alleles (4.4%); highest among the groups gnomAD compares: East Asian, 33%; 4,119 homozygotes.

Submissions (5):

Labcorp Genetics (formerly Invitae), Labcorp
Classification: Benign. Last evaluated: 2026-02-03. Review status: criteria provided, single submitter. Criteria: Invitae Variant Classification Sherloc (09022015). Collection method: clinical testing. Allele origin: germline.

Blueprint Genetics
Classification: Benign. Last evaluated: 2024-11-28. Review status: criteria provided, single submitter. Criteria: ACMG Guidelines, 2015. Collection method: clinical testing. Allele origin: germline.

Mayo Clinic Laboratories, Mayo Clinic
Classification: Benign. Last evaluated: 2022-12-21. Review status: criteria provided, single submitter. Criteria: ACMG Guidelines, 2015. Collection method: clinical testing. Allele origin: germline. Observed: 20 variant alleles.
Comment: BA1, BP4

GeneDx
Classification: Benign. Last evaluated: 2016-01-22. Review status: criteria provided, single submitter. Criteria: GeneDx Variant Classification (06012015). Collection method: clinical testing. Allele origin: germline. Affected: yes.
Comment: This variant is considered likely benign or benign based on one or more of the following criteria: it is a conservative change, it occurs at a poorly conserved position in the protein, it is predicted to be benign by multiple in silico algorithms, and/or has population frequency not consistent with disease.

Breakthrough Genomics
Classification: Benign. Review status: criteria provided, single submitter. Criteria: ACMG Guidelines, 2015. Collection method: not provided. Allele origin: germline. Inheritance: Autosomal recessive inheritance. Affected: yes.

Literature cited by the submitters: PubMed 30831263 (cited by Mayo Clinic Laboratories, Mayo Clinic).

NM_032620.4(GTPBP3):c.1103G>A (p.Arg368His)

Gene: GTPBP3 (GTP binding protein 3, mitochondrial; plus strand). Cytogenetic location: 19p13.11.
Variant type: single nucleotide variant.
Coding change: c.1103G>A on transcript NM_032620.4 (MANE Select); coding-DNA position 1103, G replaced by A.
Protein change: p.Arg368His; replaces arginine 368 with histidine.
Molecular consequence: missense variant.
Genome position (GRCh38, 1-based): chr19:17,341,172, G>A. VCF-style: chr19-17341172-G-A. GRCh37 (hg19) VCF-style: chr19-17451981-G-A.
Other names: p.Arg400His; c.1040G>A, p.Arg347His (NM_001128855.3); c.1169G>A, p.Arg390His (NM_001195422.1); c.1199G>A, p.Arg400His (NM_133644.4); short protein forms R390H, R400H, R347H, R368H.
Identifiers: ClinVar variation 380184 (VCV000380184.13), dbSNP rs3745193, ClinGen allele CA9293642.
Genomic context (GRCh38, chr19:17,341,172, plus strand): 5'-ACTTCCTGGCCACCGTCGTAGCCTCTGTGGGAGCCCAGAGCCCCAGTGACAGCAGCCAGC[G>A]CCTCCTCCTGGTGCTGAACAAGTCGGACCTGCTGTCCCCGGAGGGCCCAGGTCCCGGTCC-3'
Protein context (NP_116009.2, residues 358-378): GAQSPSDSSQ[Arg368His]LLLVLNKSDL